The following is an entry in ClinVar:

NM_012293.3(PXDN):c.1075G>A (p.Val359Ile)

Gene: PXDN (peroxidasin; minus strand). Cytogenetic location: 2p25.3.
Variant type: single nucleotide variant.
Coding change: c.1075G>A on transcript NM_012293.3 (MANE Select); coding-DNA position 1075, G replaced by A.
Protein change: p.Val359Ile; replaces valine 359 with isoleucine.
Molecular consequence: missense variant.
Genome position (GRCh38, 1-based): chr2:1,666,430, C>T on the plus strand (G>A on the coding strand, the complement: PXDN is on the minus strand). VCF-style: chr2-1666430-C-T. GRCh37 (hg19) VCF-style: chr2-1670202-C-T.
Other names: short protein forms V359I.
Identifiers: ClinVar variation 1036682 (VCV001036682.11), dbSNP rs769037467, ClinGen allele CA1513442.

ClinVar aggregate classification (germline): Uncertain significance. Review status: criteria provided, multiple submitters, no conflicts (2 of 4 stars). 2 submissions from 2 submitters: Uncertain significance (2). Last evaluated 2021-12-02.

Conditions:
Anterior segment dysgenesis 7 (ASGD7). Also called: Anterior segment dysgenesis 7, with sclerocornea; SCLEROCORNEA WITH OTHER OCULAR ANOMALIES. Identifiers: Orphanet 289499, MedGen C3151617, MONDO:0010015, OMIM 269400.

Allele frequency attached by ClinVar (database versions not stated): ExAC 0.00001; gnomAD 0.00002; gnomAD exomes 0.00002; TOPMed 0.00006.
gnomAD v4.1: 29 of 1,613,132 alleles (0.0018%); highest among the groups gnomAD compares: Admixed American, 0.0033%; no homozygotes.

Submissions (2):

Revvity Omics, Revvity
Classification: Uncertain significance for Anterior segment dysgenesis 7. Last evaluated: 2021-12-02. Review status: criteria provided, single submitter. Criteria: ACMG Guidelines, 2015. Collection method: clinical testing. Allele origin: germline.

Labcorp Genetics (formerly Invitae), Labcorp
Classification: Uncertain significance for Anterior segment dysgenesis 7. Last evaluated: 2020-01-16. Review status: criteria provided, single submitter. Criteria: Invitae Variant Classification Sherloc (09022015). Collection method: clinical testing. Allele origin: germline.
Comment: In summary, the available evidence is currently insufficient to determine the role of this variant in disease. Therefore, it has been classified as a Variant of Uncertain Significance. Algorithms developed to predict the effect of missense changes on protein structure and function (SIFT, PolyPhen-2, Align-GVGD) all suggest that this variant is likely to be tolerated, but these predictions have not been confirmed by published functional studies and their clinical significance is uncertain. This variant has not been reported in the literature in individuals with PXDN-related conditions. This variant is present in population databases (rs769037467, ExAC 0.009%). This sequence change replaces valine with isoleucine at codon 359 of the PXDN protein (p.Val359Ile). The valine residue is moderately conserved and there is a small physicochemical difference between valine and isoleucine.